The following is an entry in ClinVar:

ClinVar aggregate classification (germline): Uncertain significance (1 of 4 stars; one submission).

Submission:

Women's Health and Genetics/Laboratory Corporation of America, LabCorp
Classification: Uncertain significance. Last evaluated: 2021-01-21. Review status: criteria provided, single submitter. Criteria: LabCorp Variant Classification Summary - May 2015. Collection method: clinical testing. Allele origin: germline.
Comment: Variant summary: BRCA1 c.4655A>G (p.Tyr1552Cys) results in a non-conservative amino acid change in the encoded protein sequence. Four of five in-silico tools predict a benign effect of the variant on protein function. The variant was absent in 251256 control chromosomes. The available data on variant occurrences in the general population are insufficient to allow any conclusion about variant significance. To our knowledge, no occurrence of c.4655A>G in individuals affected with Hereditary Breast And Ovarian Cancer Syndrome and no experimental evidence demonstrating its impact on protein function have been reported. No clinical diagnostic laboratories have submitted clinical-significance assessments for this variant to ClinVar after 2014. Based on the evidence outlined above, the variant was classified as uncertain significance.

NM_007294.4(BRCA1):c.4655A>G (p.Tyr1552Cys)

Gene: BRCA1 (BRCA1 DNA repair associated; minus strand). Cytogenetic location: 17q21.31.
Variant type: single nucleotide variant.
Coding change: c.4655A>G on transcript NM_007294.4 (MANE Select); coding-DNA position 4655, A replaced by G.
Protein change: p.Tyr1552Cys; replaces tyrosine 1552 with cysteine.
Molecular consequence: missense variant. On other transcripts: non-coding transcript variant (1).
Genome position (GRCh38, 1-based): chr17:43,074,351, T>C on the plus strand (A>G on the coding strand, the complement: BRCA1 is on the minus strand). VCF-style: chr17-43074351-T-C. GRCh37 (hg19) VCF-style: chr17-41226368-T-C.
Other names: c.4529A>G, p.Tyr1510Cys (NM_001407677.1, NM_001407678.1, NM_001407679.1 and 11 more transcripts); c.4526A>G, p.Tyr1509Cys (NM_001407681.1, NM_001407682.1, NM_001407683.1 and 6 more transcripts); c.4655A>G, p.Tyr1552Cys (NM_001407684.1, NM_001407854.1, NM_001407593.1 and 8 more transcripts); c.4523A>G, p.Tyr1508Cys (NM_001407690.1, NM_001407691.1); c.4514A>G, p.Tyr1505Cys (NM_001407692.1, NM_001407694.1, NM_001407695.1 and 13 more transcripts); c.4511A>G, p.Tyr1504Cys (NM_001407732.1, NM_001407733.1, NM_001407734.1 and 21 more transcripts); c.4508A>G, p.Tyr1503Cys (NM_001407838.1, NM_001407839.1, NM_001407841.1 and 12 more transcripts); c.4652A>G, p.Tyr1551Cys (NM_001407858.1, NM_001407859.1, NM_001407860.1 and 17 more transcripts); and 68 more; short protein forms Y1505C, Y1552C, Y1573C, Y448C, Y1423C, Y1462C, Y1481C, Y1503C.
Identifiers: ClinVar variation 996241 (VCV000996241.2), dbSNP rs2052589802, ClinGen allele CA10592202.